The following is an entry in ClinVar:

ClinVar aggregate classification (germline): Uncertain significance (1 of 4 stars; one submission).

Conditions:
RASopathy. Also called: Noonan spectrum disorder; rasopathies. Identifiers: Orphanet 536391, MedGen C5555857, MONDO:0021060.

Submission:

Labcorp Genetics (formerly Invitae), Labcorp
Classification: Uncertain significance for RASopathy. Last evaluated: 2024-02-13. Review status: criteria provided, single submitter. Criteria: Invitae Variant Classification Sherloc (09022015). Collection method: clinical testing. Allele origin: germline.
Comment: This sequence change replaces methionine, which is neutral and non-polar, with valine, which is neutral and non-polar, at codon 628 of the CBL protein (p.Met628Val). This variant is not present in population databases (gnomAD no frequency). This variant has not been reported in the literature in individuals affected with CBL-related conditions. Advanced modeling of protein sequence and biophysical properties (such as structural, functional, and spatial information, amino acid conservation, physicochemical variation, residue mobility, and thermodynamic stability) performed at Invitae indicates that this missense variant is not expected to disrupt CBL protein function with a negative predictive value of 95%. In summary, the available evidence is currently insufficient to determine the role of this variant in disease. Therefore, it has been classified as a Variant of Uncertain Significance.

NM_005188.4(CBL):c.1882A>G (p.Met628Val)

Gene: CBL (Cbl proto-oncogene; plus strand). Cytogenetic location: 11q23.3.
Variant type: single nucleotide variant.
Coding change: c.1882A>G on transcript NM_005188.4 (MANE Select); coding-DNA position 1882, A replaced by G.
Protein change: p.Met628Val; replaces methionine 628 with valine.
Molecular consequence: missense variant.
Genome position (GRCh38, 1-based): chr11:119,285,507, A>G. VCF-style: chr11-119285507-A-G. GRCh37 (hg19) VCF-style: chr11-119156217-A-G.
Other names: short protein forms M628V.
Identifiers: ClinVar variation 3695615 (VCV003695615.2).
Genomic context (GRCh38, chr11:119,285,507, plus strand): 5'-CCCTGGACAGGAAGAGAATTAACCAACCGGCACTCACTTCCATTTTCATTGCCCTCACAA[A>G]TGGAGCCCAGACCAGATGTGCCTAGGCTCGGAAGCACGTTCAGTCTGGATACCTCCATGG-3'
Protein context (NP_005179.2, residues 618-638): HSLPFSLPSQ[Met628Val]EPRPDVPRLG